The following is an entry in ClinVar:

NM_024675.4(PALB2):c.2566C>A (p.Gln856Lys)

Gene: PALB2 (partner and localizer of BRCA2; minus strand). Cytogenetic location: 16p12.2.
Variant type: single nucleotide variant.
Coding change: c.2566C>A on transcript NM_024675.4 (MANE Select); coding-DNA position 2566, C replaced by A.
Protein change: p.Gln856Lys; replaces glutamine 856 with lysine.
Molecular consequence: missense variant.
Genome position (GRCh38, 1-based): chr16:23,629,224, G>T on the plus strand (C>A on the coding strand, the complement: PALB2 is on the minus strand). VCF-style: chr16-23629224-G-T. GRCh37 (hg19) VCF-style: chr16-23640545-G-T.
Other names: short protein forms Q856K.
Identifiers: ClinVar variation 946682 (VCV000946682.9), dbSNP rs770996884, ClinGen allele CA395123722.

ClinVar aggregate classification (germline): Uncertain significance. Review status: criteria provided, multiple submitters, no conflicts (2 of 4 stars). 2 submissions from 2 submitters: Uncertain significance (2). Last evaluated 2023-11-12.

Conditions:
Familial cancer of breast. Also called: Hereditary breast cancer; hereditary breast carcinoma; BREAST CANCER, FAMILIAL. Identifiers: Orphanet 227535, MedGen C0346153, MONDO:0016419, OMIM 114480. Disease mechanism: loss of function.

Submissions (2):

Baylor Genetics
Classification: Uncertain significance for Familial cancer of breast. Last evaluated: 2023-11-12. Review status: criteria provided, single submitter. Criteria: ACMG Guidelines, 2015. Collection method: clinical testing. Allele origin: unknown.

Labcorp Genetics (formerly Invitae), Labcorp
Classification: Uncertain significance for Familial cancer of breast. Last evaluated: 2022-01-17. Review status: criteria provided, single submitter. Criteria: Invitae Variant Classification Sherloc (09022015). Collection method: clinical testing. Allele origin: germline.
Comment: In summary, the available evidence is currently insufficient to determine the role of this variant in disease. Therefore, it has been classified as a Variant of Uncertain Significance. Algorithms developed to predict the effect of missense changes on protein structure and function output the following: SIFT: "Tolerated"; PolyPhen-2: "Benign"; Align-GVGD: "Class C0". The lysine amino acid residue is found in multiple mammalian species, which suggests that this missense change does not adversely affect protein function. ClinVar contains an entry for this variant (Variation ID: 946682). This variant has not been reported in the literature in individuals affected with PALB2-related conditions. This variant is not present in population databases (gnomAD no frequency). This sequence change replaces glutamine, which is neutral and polar, with lysine, which is basic and polar, at codon 856 of the PALB2 protein (p.Gln856Lys).